The following is an entry in ClinVar:

ClinVar aggregate classification (germline): Uncertain significance. Review status: criteria provided, multiple submitters, no conflicts (2 of 4 stars). 3 submissions from 3 submitters: Uncertain significance (3). Last evaluated 2025-11-11.

Conditions:
Inborn genetic diseases. Identifiers: MedGen C0950123, MeSH D030342.

Allele frequency attached by ClinVar (database versions not stated): gnomAD exomes 0.00001 and 0.00002; ExAC 0.00002; gnomAD 0.00002 and 0.00003; TOPMed 0.00002.
gnomAD v4.1: 38 of 1,613,976 alleles (0.0024%); highest among the groups gnomAD compares: South Asian, 0.011%; no homozygotes.

Submissions (3):

Labcorp Genetics (formerly Invitae), Labcorp
Classification: Uncertain significance. Last evaluated: 2025-11-11. Review status: criteria provided, single submitter. Criteria: Invitae Variant Classification Sherloc (09022015). Collection method: clinical testing. Allele origin: germline.
Comment: This sequence change replaces alanine, which is neutral and non-polar, with threonine, which is neutral and polar, at codon 1228 of the VCAN protein (p.Ala1228Thr). This variant is present in population databases (rs772576325, gnomAD 0.006%). This variant has not been reported in the literature in individuals affected with VCAN-related conditions. ClinVar contains an entry for this variant (Variation ID: 1390559). An algorithm developed to predict the effect of missense changes on protein structure and function outputs the following: PolyPhen-2: "Benign". The threonine amino acid residue is found in multiple mammalian species, which suggests that this missense change does not adversely affect protein function. In summary, the available evidence is currently insufficient to determine the role of this variant in disease. Therefore, it has been classified as a Variant of Uncertain Significance.

Blueprint Genetics
Classification: Uncertain significance. Last evaluated: 2024-01-11. Review status: criteria provided, single submitter. Criteria: ACMG Guidelines, 2015. Collection method: clinical testing. Allele origin: germline.

Ambry Genetics
Classification: Uncertain significance for Inborn genetic diseases. Last evaluated: 2021-07-20. Review status: criteria provided, single submitter. Criteria: Ambry Variant Classification Scheme 2023. Collection method: clinical testing. Allele origin: germline.

NM_004385.5(VCAN):c.3682G>A (p.Ala1228Thr)

Gene: VCAN (versican; plus strand). Cytogenetic location: 5q14.3.
Variant type: single nucleotide variant.
Coding change: c.3682G>A on transcript NM_004385.5 (MANE Select); coding-DNA position 3682, G replaced by A.
Protein change: p.Ala1228Thr; replaces alanine 1228 with threonine.
Molecular consequence: missense variant. On other transcripts: intron variant (2).
Genome position (GRCh38, 1-based): chr5:83,521,988, G>A. VCF-style: chr5-83521988-G-A. GRCh37 (hg19) VCF-style: chr5-82817807-G-A.
Other names: c.3682G>A (NM_004385.4); c.3682G>A, p.Ala1228Thr (NM_001164098.2); c.1042+9592G>A (NM_001164097.2, NM_001126336.3); short protein forms A1228T.
Identifiers: ClinVar variation 1390559 (VCV001390559.8), dbSNP rs772576325, ClinGen allele CA3333035.